The following is an entry in ClinVar:

NM_001267550.2(TTN):c.30451G>A (p.Ala10151Thr)

Gene: TTN (titin; minus strand). Cytogenetic location: 2q31.2.
Variant type: single nucleotide variant.
Coding change: c.30451G>A on transcript NM_001267550.2 (MANE Select); coding-DNA position 30451, G replaced by A.
Protein change: p.Ala10151Thr; replaces alanine 10151 with threonine.
Molecular consequence: missense variant. On other transcripts: intron variant (3).
Genome position (GRCh38, 1-based): chr2:178,702,228, C>T on the plus strand (G>A on the coding strand, the complement: TTN is on the minus strand). VCF-style: chr2-178702228-C-T. GRCh37 (hg19) VCF-style: chr2-179566955-C-T.
Other names: c.29500G>A, p.Ala9834Thr (NM_001256850.1); c.26719G>A, p.Ala8907Thr (NM_133378.4); c.13282+35854G>A (NM_003319.4); c.13858+35854G>A (NM_133437.4); c.13657+35854G>A (NM_133432.3); short protein forms A10151T, A8907T, A9834T.
Identifiers: ClinVar variation 1707299 (VCV001707299.3), dbSNP rs965765805, ClinGen allele CA60997724.

ClinVar aggregate classification (germline): Uncertain significance. Review status: criteria provided, multiple submitters, no conflicts (2 of 4 stars). 2 submissions from 2 submitters: Uncertain significance (2). Last evaluated 2023-07-11.

Conditions:
TTN-related disorder. Also called: TTN-related condition; TTN-related disease; TTN-related disorders.

Allele frequency attached by ClinVar (database versions not stated): gnomAD exomes below 0.00001; TOPMed below 0.00001; gnomAD 0.00001.
gnomAD v4.1: 4 of 1,613,824 alleles (0.00025%); highest among the groups gnomAD compares: African/African-American, 0.0027%; no homozygotes.

Submissions (2):

PreventionGenetics, part of Exact Sciences
Classification: Uncertain significance for TTN-related condition. Last evaluated: 2023-07-11. Review status: criteria provided, single submitter. Criteria: ACMG Guidelines, 2015. Collection method: clinical testing. Allele origin: germline.
Comment: The TTN c.30451G>A variant is predicted to result in the amino acid substitution p.Ala10151Thr. To our knowledge, this variant has not been reported in the literature or in a large population database, indicating this variant is rare. At this time, the clinical significance of this variant is uncertain due to the absence of conclusive functional and genetic evidence.

GeneDx
Classification: Uncertain significance. Last evaluated: 2022-09-23. Review status: criteria provided, single submitter. Criteria: GeneDx Variant Classification Process June 2021. Collection method: clinical testing. Allele origin: germline. Affected: yes.
Comment: Not observed at significant frequency in large population cohorts (gnomAD); Missense variant in a gene in which most reported pathogenic variants are truncating/loss-of-function; Has not been previously published as pathogenic or benign to our knowledge; Located in a region of TTN within the I-band in which the majority of loss of function variants are significantly associated with autosomal dominant titinopathies (Deo et al., 2016; Schafer et al., 2017); This variant is associated with the following publications: (PMID: 27625338, 27869827)